The following is an entry in ClinVar:

ClinVar aggregate classification (germline): Uncertain significance. Review status: criteria provided, multiple submitters, no conflicts (2 of 4 stars). 3 submissions from 3 submitters: Uncertain significance (3). Last evaluated 2023-11-30.

Conditions:
Gorlin syndrome. Also called: Nevoid Basal Cell Carcinoma Syndrome; Basal cell nevus syndrome. Identifiers: Orphanet 377, MedGen C0004779, MONDO:0007187.
Hereditary cancer-predisposing syndrome. Also called: Tumor predisposition; Neoplastic Syndromes, Hereditary; Hereditary Cancer Syndrome; Hereditary neoplastic syndrome. Identifiers: Orphanet 140162, MedGen C0027672, MeSH D009386, MONDO:0015356.

Submissions (3):

GeneDx
Classification: Uncertain significance. Last evaluated: 2023-11-30. Review status: criteria provided, single submitter. Criteria: GeneDx Variant Classification Process June 2021. Collection method: clinical testing. Allele origin: germline. Affected: yes.
Comment: Not observed at significant frequency in large population cohorts (gnomAD); In silico analysis supports that this missense variant does not alter protein structure/function; Has not been previously published as pathogenic or benign to our knowledge; This variant is associated with the following publications: (PMID: 11331587)

Ambry Genetics
Classification: Uncertain significance for Hereditary cancer-predisposing syndrome. Last evaluated: 2023-09-06. Review status: criteria provided, single submitter. Criteria: Ambry Variant Classification Scheme 2023. Collection method: clinical testing. Allele origin: germline.
Comment: The p.N636Y variant (also known as c.1906A>T), located in coding exon 14 of the PTCH1 gene, results from an A to T substitution at nucleotide position 1906. The asparagine at codon 636 is replaced by tyrosine, an amino acid with dissimilar properties. This amino acid position is conserved. In addition, this alteration is predicted to be tolerated by in silico analysis. Since supporting evidence is limited at this time, the clinical significance of this alteration remains unclear.

Labcorp Genetics (formerly Invitae), Labcorp
Classification: Uncertain significance for Gorlin syndrome. Last evaluated: 2023-06-30. Review status: criteria provided, single submitter. Criteria: Invitae Variant Classification Sherloc (09022015). Collection method: clinical testing. Allele origin: germline.
Comment: In summary, the available evidence is currently insufficient to determine the role of this variant in disease. Therefore, it has been classified as a Variant of Uncertain Significance. Advanced modeling of protein sequence and biophysical properties (such as structural, functional, and spatial information, amino acid conservation, physicochemical variation, residue mobility, and thermodynamic stability) performed at Invitae indicates that this missense variant is not expected to disrupt PTCH1 protein function. This variant has not been reported in the literature in individuals affected with PTCH1-related conditions. This variant is not present in population databases (gnomAD no frequency). This sequence change replaces asparagine, which is neutral and polar, with tyrosine, which is neutral and polar, at codon 636 of the PTCH1 protein (p.Asn636Tyr).

NM_000264.5(PTCH1):c.1906A>T (p.Asn636Tyr)

Genes: PTCH1 (patched 1; minus strand), LOC100507346 (uncharacterized LOC100507346; plus strand). Cytogenetic location: 9q22.32.
Variant type: single nucleotide variant.
Coding change: c.1906A>T on transcript NM_000264.5 (MANE Select); coding-DNA position 1906, A replaced by T.
Protein change: p.Asn636Tyr; replaces asparagine 636 with tyrosine.
Molecular consequence: missense variant. On other transcripts: non-coding transcript variant (2).
Genome position (GRCh38, 1-based): chr9:95,469,095, T>A on the plus strand (A>T on the coding strand, the complement: PTCH1 is on the minus strand). VCF-style: chr9-95469095-T-A. GRCh37 (hg19) VCF-style: chr9-98231377-T-A.
Other names: c.1708A>T, p.Asn570Tyr (NM_001083602.3); c.1903A>T, p.Asn635Tyr (NM_001083603.3); c.1453A>T, p.Asn485Tyr (NM_001083604.3, NM_001083605.3, NM_001083606.3 and 1 more transcripts); c.1750A>T, p.Asn584Tyr (NM_001354918.2); short protein forms N635Y, N584Y, N485Y, N636Y, N570Y.
Identifiers: ClinVar variation 2586398 (VCV002586398.6), dbSNP rs1390308281, ClinGen allele CA374116073.